The following is an entry in ClinVar:

ClinVar aggregate classification (germline): Pathogenic. Review status: criteria provided, multiple submitters, no conflicts (2 of 4 stars). 2 submissions from 2 submitters: Pathogenic (2). Last evaluated 2026-01-24.

Conditions:
Familial adenomatous polyposis 4 (FAP4). Also called: MSH3-related attenuated familial adenomatous polyposis. Identifiers: Orphanet 480536, MedGen C4310719, MONDO:0044300, OMIM 617100.

Submissions (2):

Labcorp Genetics (formerly Invitae), Labcorp
Classification: Pathogenic. Last evaluated: 2026-01-24. Review status: criteria provided, single submitter. Criteria: Invitae Variant Classification Sherloc (09022015). Collection method: clinical testing. Allele origin: germline.
Comment: This sequence change creates a premature translational stop signal (p.Ile929Trpfs*18) in the MSH3 gene. It is expected to result in an absent or disrupted protein product. Loss-of-function variants in MSH3 are known to be pathogenic (PMID: 27476653, 37402566). This variant is not present in population databases (gnomAD no frequency). This variant has not been reported in the literature in individuals affected with MSH3-related conditions. ClinVar contains an entry for this variant (Variation ID: 2673545). For these reasons, this variant has been classified as Pathogenic.

Myriad Genetics, Inc.
Classification: Pathogenic for Familial adenomatous polyposis 4. Last evaluated: 2023-08-31. Review status: criteria provided, single submitter. Criteria: Myriad Autosomal Dominant, Autosomal Recessive and X-Linked Classification Criteria (2023). Collection method: clinical testing. Allele origin: unknown.
Comment: This variant is considered pathogenic. This variant creates a frameshift predicted to result in premature protein truncation.

Literature cited by the submitters: PubMed 27476653 (cited by Labcorp Genetics (formerly Invitae), Labcorp); PubMed 37402566 (cited by Labcorp Genetics (formerly Invitae), Labcorp).

NM_002439.5(MSH3):c.2785_2786del (p.Ile929fs)

Gene: MSH3 (mutS homolog 3; plus strand). Cytogenetic location: 5q14.1.
Variant type: Deletion.
Coding change: c.2785_2786del on transcript NM_002439.5 (MANE Select); coding-DNA positions 2785 to 2786, 2 bases deleted (AT; older notation c.2785_2786delAT).
Protein change: p.Ile929fs; shifts the reading frame from isoleucine 929.
Molecular consequence: frameshift variant.
Genome position (GRCh38, 1-based): chr5:80,813,713-80,813,714, AT deleted. VCF-style (leftmost placement, unchanged base first): chr5-80813712-AAT-A. GRCh37 (hg19) VCF-style: chr5-80109531-AAT-A.
Other names: short protein forms I929fs.
Identifiers: ClinVar variation 2673545 (VCV002673545.2), dbSNP rs2546797436, ClinGen allele CA2695198686.